The following is an entry in ClinVar:

ClinVar aggregate classification (germline): Uncertain significance (1 of 4 stars; one submission).

Conditions:
Cardiomyopathy (CMYO). Also called: Cardiomyopathies. Identifiers: Orphanet 167848, MedGen C0878544, MONDO:0004994, HP:0001638. Inheritance: Various modes of inheritance.

Allele frequency attached by ClinVar (database versions not stated): gnomAD exomes below 0.00001.
gnomAD v4.1: 1 of 1,614,038 alleles (0.000062%); highest among the groups gnomAD compares: Non-Finnish European, 0.000085%; no homozygotes.

Submission:

Color Diagnostics, LLC DBA Color Health
Classification: Uncertain significance for Cardiomyopathy. Last evaluated: 2023-12-05. Review status: criteria provided, single submitter. Criteria: ACMG Guidelines, 2015. Collection method: clinical testing. Allele origin: germline.
Comment: This missense variant replaces arginine with threonine at codon 148 of the PRKAG2 protein. Computational prediction tools and conservation analyses are inconclusive regarding the impact of this variant on the protein function. Computational splicing tools suggest that this variant may not impact RNA splicing. To our knowledge, functional assays have not been performed for this variant nor has this variant been reported in individuals affected with cardiovascular disorders in the literature. This variant has not been identified in the general population by the Genome Aggregation Database (gnomAD). Available evidence is insufficient to determine the role of this variant in disease conclusively. Therefore, this variant is classified as a Variant of Uncertain Significance.

NM_016203.4(PRKAG2):c.443G>C (p.Arg148Thr)

Gene: PRKAG2 (protein kinase AMP-activated non-catalytic subunit gamma 2; minus strand). Cytogenetic location: 7q36.1.
Variant type: single nucleotide variant.
Coding change: c.443G>C on transcript NM_016203.4 (MANE Select); coding-DNA position 443, G replaced by C.
Protein change: p.Arg148Thr; replaces arginine 148 with threonine.
Molecular consequence: missense variant.
Genome position (GRCh38, 1-based): chr7:151,781,175, C>G on the plus strand (G>C on the coding strand, the complement: PRKAG2 is on the minus strand). VCF-style: chr7-151781175-C-G. GRCh37 (hg19) VCF-style: chr7-151478261-C-G.
Other names: c.311G>C, p.Arg104Thr (NM_001040633.2); short protein forms R148T, R104T.
Identifiers: ClinVar variation 919526 (VCV000919526.5), dbSNP rs2076649283, ClinGen allele CA370069241.
Genomic context (GRCh38, chr7:151,781,175, plus strand): 5'-CCAGCACCCACCTGAAACAATAGCATCAAGGTCTTACTTTTTCTGGAGCGGGAGAAAAAC[C>G]TGATGCCCCCGGGCGAGGTAGCAGGGTTGGAGTTGGGGGAAGACTCTTTGGAGGAGGAGC-3'
Protein context (NP_057287.2, residues 138-158): SNPATSPGGI[Arg148Thr]FFSRSRKTSG